The following is an entry in ClinVar:

NM_000101.4(CYBA):c.524C>T (p.Ala175Val)

Gene: CYBA (cytochrome b-245 alpha chain; minus strand). Cytogenetic location: 16q24.2.
Variant type: single nucleotide variant.
Coding change: c.524C>T on transcript NM_000101.4 (MANE Select); coding-DNA position 524, C replaced by T.
Protein change: p.Ala175Val; replaces alanine 175 with valine.
Molecular consequence: missense variant.
Genome position (GRCh38, 1-based): chr16:88,643,417, G>A on the plus strand (C>T on the coding strand, the complement: CYBA is on the minus strand). VCF-style: chr16-88643417-G-A. GRCh37 (hg19) VCF-style: chr16-88709825-G-A.
Other names: short protein forms A175V.
Identifiers: ClinVar variation 1494840 (VCV001494840.3), dbSNP rs759482101, ClinGen allele CA8228184.

ClinVar aggregate classification (germline): Uncertain significance (1 of 4 stars; one submission).

Conditions:
Granulomatous disease, chronic, autosomal recessive, cytochrome b-negative. Also called: CGD DUE TO DEFICIENCY OF THE ALPHA SUBUNIT OF CYTOCHROME b; CGD, AUTOSOMAL RECESSIVE CYTOCHROME b-NEGATIVE; CYBA DEFICIENCY; GRANULOMATOUS DISEASE, CHRONIC, AUTOSOMAL RECESSIVE, 4; Chronic granulomatous disease, autosomal, due to deficiency of CYBA. Identifiers: Orphanet 379, MedGen C1856255, MONDO:0009308, OMIM 233690.

Allele frequency attached by ClinVar (database versions not stated): gnomAD exomes 0.00003 and 0.00005; ExAC 0.00009.
gnomAD v4.1: 37 of 1,529,752 alleles (0.0024%); highest among the groups gnomAD compares: East Asian, 0.013%; no homozygotes.

Submission:

Labcorp Genetics (formerly Invitae), Labcorp
Classification: Uncertain significance for Granulomatous disease, chronic, autosomal recessive, cytochrome b-negative. Last evaluated: 2022-08-09. Review status: criteria provided, single submitter. Criteria: Invitae Variant Classification Sherloc (09022015). Collection method: clinical testing. Allele origin: germline.
Comment: This sequence change replaces alanine, which is neutral and non-polar, with valine, which is neutral and non-polar, at codon 175 of the CYBA protein (p.Ala175Val). The frequency data for this variant in the population databases is considered unreliable, as metrics indicate poor data quality at this position in the gnomAD database. This variant has not been reported in the literature in individuals affected with CYBA-related conditions. ClinVar contains an entry for this variant (Variation ID: 1494840). Algorithms developed to predict the effect of missense changes on protein structure and function output the following: SIFT: "Deleterious"; PolyPhen-2: "Benign"; Align-GVGD: "Class C0". The valine amino acid residue is found in multiple mammalian species, which suggests that this missense change does not adversely affect protein function. In summary, the available evidence is currently insufficient to determine the role of this variant in disease. Therefore, it has been classified as a Variant of Uncertain Significance.